The following is an entry in ClinVar:

NM_000059.4(BRCA2):c.602C>T (p.Pro201Leu)

Gene: BRCA2 (BRCA2 DNA repair associated; plus strand). Cytogenetic location: 13q13.1.
Variant type: single nucleotide variant.
Coding change: c.602C>T on transcript NM_000059.4 (MANE Select); coding-DNA position 602, C replaced by T.
Protein change: p.Pro201Leu; replaces proline 201 with leucine.
Molecular consequence: missense variant.
Genome position (GRCh38, 1-based): chr13:32,326,584, C>T. VCF-style: chr13-32326584-C-T. GRCh37 (hg19) VCF-style: chr13-32900721-C-T.
Other names: short protein forms P201L.
Identifiers: ClinVar variation 425026 (VCV000425026.10), dbSNP rs397507822, ClinGen allele CA16621646.
Genomic context (GRCh38, chr13:32,326,584, plus strand): 5'-CTGAAAGTCTAGGAGCTGAGGTGGATCCTGATATGTCTTGGTCAAGTTCTTTAGCTACAC[C>T]ACCCACCCTTAGTTCTACTGTGCTCATAGGTAATAATAGCAAATGTGTATTTACAAGAAA-3'
Protein context (NP_000050.3, residues 191-211): DMSWSSSLAT[Pro201Leu]PTLSSTVLIV

ClinVar aggregate classification (germline): Uncertain significance. Review status: criteria provided, multiple submitters, no conflicts (2 of 4 stars). 3 submissions from 3 submitters: Uncertain significance (3). Last evaluated 2023-12-10.

Conditions:
Hereditary breast ovarian cancer syndrome. Also called: BRCA1- and BRCA2-Associated Hereditary Breast and Ovarian Cancer; Hereditary breast and/or ovarian cancer syndrome; Hereditary breast and ovarian cancer syndrome; Hereditary breast and ovarian cancer; Hereditary breast and ovarian cancer syndrome (HBOC); Breast and ovarian cancer. Identifiers: Orphanet 145, MedGen C0677776, MeSH D061325, MONDO:0003582. Disease mechanism: loss of function.
Hereditary cancer-predisposing syndrome. Also called: Hereditary neoplastic syndrome; Neoplastic Syndromes, Hereditary; Tumor predisposition; Hereditary Cancer Syndrome. Identifiers: Orphanet 140162, MedGen C0027672, MeSH D009386, MONDO:0015356.

Allele frequency attached by ClinVar (database versions not stated): gnomAD exomes below 0.00001.

Submissions (3):

Ambry Genetics
Classification: Uncertain significance for Hereditary cancer-predisposing syndrome. Last evaluated: 2023-12-10. Review status: criteria provided, single submitter. Criteria: Ambry Variant Classification Scheme 2023. Collection method: clinical testing. Allele origin: germline.
Comment: The p.P201L variant (also known as c.602C>T), located in coding exon 6 of the BRCA2 gene, results from a C to T substitution at nucleotide position 602. The proline at codon 201 is replaced by leucine, an amino acid with similar properties. This amino acid position is highly conserved in available vertebrate species. In addition, the in silico prediction for this alteration is inconclusive. Since supporting evidence is limited at this time, the clinical significance of this alteration remains unclear.

Labcorp Genetics (formerly Invitae), Labcorp
Classification: Uncertain significance for Hereditary breast ovarian cancer syndrome. Last evaluated: 2022-10-17. Review status: criteria provided, single submitter. Criteria: Invitae Variant Classification Sherloc (09022015). Collection method: clinical testing. Allele origin: germline.
Comment: This sequence change replaces proline, which is neutral and non-polar, with leucine, which is neutral and non-polar, at codon 201 of the BRCA2 protein (p.Pro201Leu). In summary, the available evidence is currently insufficient to determine the role of this variant in disease. Therefore, it has been classified as a Variant of Uncertain Significance. Advanced modeling of protein sequence and biophysical properties (such as structural, functional, and spatial information, amino acid conservation, physicochemical variation, residue mobility, and thermodynamic stability) performed at Invitae indicates that this missense variant is not expected to disrupt BRCA2 protein function. ClinVar contains an entry for this variant (Variation ID: 425026). This variant has not been reported in the literature in individuals affected with BRCA2-related conditions. This variant is not present in population databases (gnomAD no frequency).

CeGaT Center for Human Genetics Tuebingen
Classification: Uncertain significance. Last evaluated: 2016-12-31. Review status: criteria provided, single submitter. Criteria: Praxis fuer Humangenetik Tuebingen - Variant Classification Criteria. Collection method: clinical testing. Allele origin: germline. Affected: yes. Observed: 1 variant allele.